The following is an entry in ClinVar:

NM_006612.6(KIF1C):c.1020G>A (p.Arg340=)

Gene: KIF1C (kinesin family member 1C; plus strand). Cytogenetic location: 17p13.2.
Variant type: single nucleotide variant.
Coding change: c.1020G>A on transcript NM_006612.6 (MANE Select); coding-DNA position 1020, G replaced by A.
Protein change: p.Arg340=; no amino-acid change (arginine 340 retained).
Molecular consequence: synonymous variant.
Genome position (GRCh38, 1-based): chr17:5,004,855, G>A. VCF-style: chr17-5004855-G-A. GRCh37 (hg19) VCF-style: chr17-4908150-G-A.
Identifiers: ClinVar variation 3254798 (VCV003254798.1), dbSNP rs1332090479.

ClinVar aggregate classification (germline): Uncertain significance (1 of 4 stars; one submission).

Conditions:
Spastic ataxia 2. Also called: Ataxia, spastic, 2, autosomal recessive. Identifiers: Orphanet 397946, MedGen C1969796, MONDO:0012651, OMIM 611302.

Submission:

Victorian Clinical Genetics Services, Murdoch Childrens Research Institute
Classification: Uncertain significance for Spastic ataxia 2. Last evaluated: 2023-07-17. Review status: criteria provided, single submitter. Criteria: ACMG Guidelines, 2015. Collection method: clinical testing. Allele origin: germline. Inheritance: Autosomal recessive inheritance. Affected: yes.
Comment: Based on the classification scheme VCGS_Germline_v1.3.4, this variant is classified as VUS-3C. Following criteria are met: 0102 - Loss of function is a known mechanism of disease in this gene and is associated with spastic ataxia 2 (MIM#611302). (I) 0106 - This gene is associated with autosomal recessive disease. (I) 0212 - Non-canonical splice site variant without proven consequence on splicing (no functional evidence available). (SP) 0251 - This variant is heterozygous. (I) 0301 - Variant is absent from gnomAD (both v2 and v3). (SP) 0311 - An alternative nucleotide change at the same position, is present in gnomAD (v2) (1 heterozygotes, 0 homozygotes). (I) 0506 - Abnormal splicing is not predicted and nucleotide is poorly conserved. (SB) 0705 - No comparable variants affecting the same nucleotide have previous evidence for pathogenicity. (I) 0807 - This variant has no previous evidence of pathogenicity. (I) 0905 - No published segregation evidence has been identified for this variant. (I) 1007 - No published functional evidence has been identified for this variant. (I) Legend: (SP) - Supporting pathogenic, (I) - Information, (SB) - Supporting benign